The following is an entry in ClinVar:

ClinVar aggregate classification (germline): Uncertain significance. Review status: criteria provided, multiple submitters, no conflicts (2 of 4 stars). 2 submissions from 2 submitters: Uncertain significance (2). Last evaluated 2025-09-07.

Conditions:
Spastic paraplegia. Identifiers: MedGen C0037772, HP:0001258.
Hereditary spastic paraplegia. Also called: Familial spastic paraparesis. Identifiers: Orphanet 685, MedGen C0037773, MONDO:0019064. Disease mechanism: loss of function.

Allele frequency attached by ClinVar (database versions not stated): gnomAD 0.00064 and 0.00068; TOPMed 0.00065; gnomAD exomes 0.00077; ExAC 0.00100; ESP Exome Variant Server 0.00108.

Submissions (2):

Labcorp Genetics (formerly Invitae), Labcorp
Classification: Uncertain significance for Spastic paraplegia. Last evaluated: 2025-09-07. Review status: criteria provided, single submitter. Criteria: Invitae Variant Classification Sherloc (09022015). Collection method: clinical testing. Allele origin: germline.
Comment: This sequence change replaces aspartic acid, which is acidic and polar, with asparagine, which is neutral and polar, at codon 372 of the ARSI protein (p.Asp372Asn). This variant is present in population databases (rs150211860, gnomAD 0.1%), and has an allele count higher than expected for a pathogenic variant. This variant has not been reported in the literature in individuals affected with ARSI-related conditions. ClinVar contains an entry for this variant (Variation ID: 424672). Invitae Evidence Modeling of protein sequence and biophysical properties (such as structural, functional, and spatial information, amino acid conservation, physicochemical variation, residue mobility, and thermodynamic stability) indicates that this missense variant is not expected to disrupt ARSI protein function with a negative predictive value of 80%. In summary, the available evidence is currently insufficient to determine the role of this variant in disease. Therefore, it has been classified as a Variant of Uncertain Significance.

Unit for Genetic & Epidemiological Research on Neurological Disorders, Instituto de Investigação e Inovação em Saúde
Classification: Uncertain significance for Hereditary spastic paraplegia. Last evaluated: 2017-03-07. Review status: criteria provided, single submitter. Criteria: Morais et al. (Eur J Hum Genet. 2017). Collection method: research. Allele origin: unknown. Affected: yes.

NM_001012301.4(ARSI):c.1114G>A (p.Asp372Asn)

Gene: ARSI (arylsulfatase family member I; minus strand). Cytogenetic location: 5q32.
Variant type: single nucleotide variant.
Coding change: c.1114G>A on transcript NM_001012301.4 (MANE Select); coding-DNA position 1114, G replaced by A.
Protein change: p.Asp372Asn; replaces aspartic acid 372 with asparagine.
Molecular consequence: missense variant.
Genome position (GRCh38, 1-based): chr5:150,297,810, C>T on the plus strand (G>A on the coding strand, the complement: ARSI is on the minus strand). VCF-style: chr5-150297810-C-T. GRCh37 (hg19) VCF-style: chr5-149677373-C-T.
Other names: short protein forms D372N.
Identifiers: ClinVar variation 424672 (VCV000424672.7), dbSNP rs150211860, ClinGen allele CA3510163.